The following is an entry in ClinVar:

NM_014855.3(AP5Z1):c.1768C>T (p.Leu590Phe)

Gene: AP5Z1 (adaptor related protein complex 5 subunit zeta 1; plus strand). Cytogenetic location: 7p22.1.
Variant type: single nucleotide variant.
Coding change: c.1768C>T on transcript NM_014855.3 (MANE Select); coding-DNA position 1768, C replaced by T.
Protein change: p.Leu590Phe; replaces leucine 590 with phenylalanine.
Molecular consequence: missense variant. On other transcripts: non-coding transcript variant (1).
Genome position (GRCh38, 1-based): chr7:4,789,892, C>T. VCF-style: chr7-4789892-C-T. GRCh37 (hg19) VCF-style: chr7-4829523-C-T.
Other names: c.1768C>T (NM_014855.2); c.1300C>T, p.Leu434Phe (NM_001364858.1); short protein forms L590F, L434F.
Identifiers: ClinVar variation 2148042 (VCV002148042.5), dbSNP rs1292289534, ClinGen allele CA366663745.

ClinVar aggregate classification (germline): Uncertain significance. Review status: criteria provided, multiple submitters, no conflicts (2 of 4 stars). 2 submissions from 2 submitters: Uncertain significance (2). Last evaluated 2026-01-19.

Conditions:
Hereditary spastic paraplegia 48. Also called: Spastic paraplegia 48; SPASTIC PARAPLEGIA 48, AUTOSOMAL RECESSIVE. Identifiers: Orphanet 306511, MedGen C3150901, MONDO:0013342, OMIM 613647.
Inborn genetic diseases. Identifiers: MedGen C0950123, MeSH D030342.

Submissions (2):

Labcorp Genetics (formerly Invitae), Labcorp
Classification: Uncertain significance for Hereditary spastic paraplegia 48. Last evaluated: 2026-01-19. Review status: criteria provided, single submitter. Criteria: Invitae Variant Classification Sherloc (09022015). Collection method: clinical testing. Allele origin: germline.
Comment: This sequence change replaces leucine, which is neutral and non-polar, with phenylalanine, which is neutral and non-polar, at codon 590 of the AP5Z1 protein (p.Leu590Phe). The frequency data for this variant in the population databases is considered unreliable, as metrics indicate poor data quality at this position in the gnomAD database. This variant has not been reported in the literature in individuals affected with AP5Z1-related conditions. ClinVar contains an entry for this variant (Variation ID: 2148042). Invitae Evidence Modeling of protein sequence and biophysical properties (such as structural, functional, and spatial information, amino acid conservation, physicochemical variation, residue mobility, and thermodynamic stability) indicates that this missense variant is expected to disrupt AP5Z1 protein function with a positive predictive value of 80%. In summary, the available evidence is currently insufficient to determine the role of this variant in disease. Therefore, it has been classified as a Variant of Uncertain Significance.

Ambry Genetics
Classification: Uncertain significance for Inborn genetic diseases. Last evaluated: 2024-05-08. Review status: criteria provided, single submitter. Criteria: Ambry Variant Classification Scheme 2023. Collection method: clinical testing. Allele origin: germline.